The following is an entry in ClinVar:

NM_005559.4(LAMA1):c.2081G>A (p.Ser694Asn)

Gene: LAMA1 (laminin subunit alpha 1; minus strand). Cytogenetic location: 18p11.31.
Variant type: single nucleotide variant.
Coding change: c.2081G>A on transcript NM_005559.4 (MANE Select); coding-DNA position 2081, G replaced by A.
Protein change: p.Ser694Asn; replaces serine 694 with asparagine.
Molecular consequence: missense variant.
Genome position (GRCh38, 1-based): chr18:7,033,066, C>T on the plus strand (G>A on the coding strand, the complement: LAMA1 is on the minus strand). VCF-style: chr18-7033066-C-T. GRCh37 (hg19) VCF-style: chr18-7033065-C-T.
Other names: short protein forms S694N.
Identifiers: ClinVar variation 2107755 (VCV002107755.4), dbSNP rs754577443, ClinGen allele CA8882771.

ClinVar aggregate classification (germline): Uncertain significance (1 of 4 stars; one submission).

Allele frequency attached by ClinVar (database versions not stated): ExAC 0.00001.
gnomAD v4.1: 1 of 1,611,974 alleles (0.000062%); highest among the groups gnomAD compares: Admixed American, 0.0017%; no homozygotes.

Submission:

Labcorp Genetics (formerly Invitae), Labcorp
Classification: Uncertain significance. Last evaluated: 2025-07-21. Review status: criteria provided, single submitter. Criteria: Invitae Variant Classification Sherloc (09022015). Collection method: clinical testing. Allele origin: germline.
Comment: This sequence change replaces serine, which is neutral and polar, with asparagine, which is neutral and polar, at codon 694 of the LAMA1 protein (p.Ser694Asn). The frequency data for this variant in the population databases is considered unreliable, as metrics indicate poor data quality at this position in the gnomAD database. This variant has not been reported in the literature in individuals affected with LAMA1-related conditions. ClinVar contains an entry for this variant (Variation ID: 2107755). An algorithm developed to predict the effect of missense changes on protein structure and function outputs the following: PolyPhen-2: "Benign". The asparagine amino acid residue is found in multiple mammalian species, which suggests that this missense change does not adversely affect protein function. In summary, the available evidence is currently insufficient to determine the role of this variant in disease. Therefore, it has been classified as a Variant of Uncertain Significance.